The following is an entry in ClinVar:

ClinVar aggregate classification (germline): Uncertain significance (1 of 4 stars; one submission).

Conditions:
Nephronophthisis 14 (NPHP14). Identifiers: Orphanet 2318, MedGen C3539071, MONDO:0013916, OMIM 614844.

Allele frequency attached by ClinVar (database versions not stated): gnomAD exomes below 0.00001; ExAC 0.00001.

Submission:

Labcorp Genetics (formerly Invitae), Labcorp
Classification: Uncertain significance for Nephronophthisis 14. Last evaluated: 2021-09-21. Review status: criteria provided, single submitter. Criteria: Invitae Variant Classification Sherloc (09022015). Collection method: clinical testing. Allele origin: germline.
Comment: This sequence change replaces threonine with alanine at codon 753 of the ZNF423 protein (p.Thr753Ala). The threonine residue is highly conserved and there is a small physicochemical difference between threonine and alanine. The frequency data for this variant in the population databases is considered unreliable, as metrics indicate poor data quality at this position in the ExAC database. This variant has not been reported in the literature in individuals affected with ZNF423-related conditions. Algorithms developed to predict the effect of missense changes on protein structure and function are either unavailable or do not agree on the potential impact of this missense change (SIFT: "Deleterious"; PolyPhen-2: "Possibly Damaging"; Align-GVGD: "Class C0"). In summary, the available evidence is currently insufficient to determine the role of this variant in disease. Therefore, it has been classified as a Variant of Uncertain Significance.

NM_001379286.1(ZNF423):c.2281A>G (p.Thr761Ala)

Gene: ZNF423 (zinc finger protein 423; minus strand). Cytogenetic location: 16q12.1.
Variant type: single nucleotide variant.
Coding change: c.2281A>G on transcript NM_001379286.1 (MANE Select); coding-DNA position 2281, A replaced by G.
Protein change: p.Thr761Ala; replaces threonine 761 with alanine.
Molecular consequence: missense variant.
Genome position (GRCh38, 1-based): chr16:49,636,895, T>C on the plus strand (A>G on the coding strand, the complement: ZNF423 is on the minus strand). VCF-style: chr16-49636895-T-C. GRCh37 (hg19) VCF-style: chr16-49670806-T-C.
Other names: c.2077A>G, p.Thr693Ala (NM_001271620.2); c.1906A>G, p.Thr636Ala (NM_001330533.2); c.2257A>G, p.Thr753Ala (NM_015069.5); short protein forms T693A, T761A, T753A, T636A.
Identifiers: ClinVar variation 1382589 (VCV001382589.6), dbSNP rs764069043, ClinGen allele CA8046537.